The following is an entry in ClinVar:

NM_001127649.3(PEX26):c.*829A>G

Gene: PEX26 (peroxisomal biogenesis factor 26; plus strand). Cytogenetic location: 22q11.21.
Variant type: single nucleotide variant.
Coding change: c.*829A>G on transcript NM_001127649.3 (MANE Select); 829 bases downstream of the stop codon, A replaced by G.
Molecular consequence: 3 prime UTR variant.
Genome position (GRCh38, 1-based): chr22:18,088,904, A>G. VCF-style: chr22-18088904-A-G. GRCh37 (hg19) VCF-style: chr22-18571670-A-G.
Other names: c.*829A>G (NM_001199319.2, NM_017929.6).
Identifiers: ClinVar variation 340772 (VCV000340772.6), dbSNP rs362057, ClinGen allele CA10653849.

ClinVar aggregate classification (germline): Benign. Review status: criteria provided, multiple submitters, no conflicts (2 of 4 stars). 2 submissions from 2 submitters: Benign (2). Last evaluated 2018-01-13.

Conditions:
Peroxisome biogenesis disorder 7A (Zellweger). Also called: Peroxisome biogenesis disorder 7A. Identifiers: Orphanet 912, MedGen C3888385, MONDO:0013938, OMIM 614872.

Allele frequency attached by ClinVar (database versions not stated): TOPMed 0.99193; 1000 Genomes Project 30x 0.99563; 1000 Genomes Project 0.99581; gnomAD exomes 0.99667.
gnomAD v4.1: 151,187 of 152,674 alleles (99%); highest among the groups gnomAD compares: East Asian, 100%; 74,863 homozygotes.

Submissions (2):

Illumina Laboratory Services, Illumina
Classification: Benign for Peroxisome biogenesis disorder 7A (Zellweger). Last evaluated: 2018-01-13. Review status: criteria provided, single submitter. Criteria: ICSL Variant Classification Criteria 13 December 2019. Collection method: clinical testing. Allele origin: germline.
Comment: This variant was observed in the ICSL laboratory as part of a predisposition screen in an ostensibly healthy population. It had not been previously curated by ICSL or reported in the Human Gene Mutation Database (HGMD: prior to June 1st, 2018), and was therefore a candidate for classification through an automated scoring system. Utilizing variant allele frequency, disease prevalence and penetrance estimates, and inheritance mode, an automated score was calculated to assess if this variant is too frequent to cause the disease. Based on the score and internal cut-off values, a variant classified as benign is not then subjected to further curation. The score for this variant resulted in a classification of benign for this disease.

Breakthrough Genomics
Classification: Benign. Review status: criteria provided, single submitter. Criteria: ACMG Guidelines, 2015. Collection method: not provided. Allele origin: germline. Inheritance: Autosomal recessive inheritance. Affected: yes.